The following is an entry in ClinVar:

ClinVar aggregate classification (germline): Likely benign (1 of 4 stars; one submission).

Allele frequency attached by ClinVar (database versions not stated): gnomAD 0.00575 and 0.00617; TOPMed 0.00595; 1000 Genomes Project 0.00679; 1000 Genomes Project 30x 0.00703.
gnomAD v4.1: 860 of 152,344 alleles (0.56%); highest among the groups gnomAD compares: African/African-American, 2%; 9 homozygotes.

Submission:

GeneDx
Classification: Likely benign. Last evaluated: 2018-06-18. Review status: criteria provided, single submitter. Criteria: GeneDx Variant Classification (06012015). Collection method: clinical testing. Allele origin: germline. Affected: yes.
Comment: This variant is considered likely benign or benign based on one or more of the following criteria: it is a conservative change, it occurs at a poorly conserved position in the protein, it is predicted to be benign by multiple in silico algorithms, and/or has population frequency not consistent with disease.

NM_000455.5(STK11):c.374+254C>T

Gene: STK11 (serine/threonine kinase 11; plus strand). Cytogenetic location: 19p13.3.
Variant type: single nucleotide variant.
Coding change: c.374+254C>T on transcript NM_000455.5 (MANE Select); 254 bases into the intron after coding-DNA position 374, C replaced by T.
Molecular consequence: intron variant.
Genome position (GRCh38, 1-based): chr19:1,218,754, C>T. VCF-style: chr19-1218754-C-T. GRCh37 (hg19) VCF-style: chr19-1218753-C-T.
Identifiers: ClinVar variation 679730 (VCV000679730.1), dbSNP rs116773689, ClinGen allele CA14709344.
Genomic context (GRCh38, chr19:1,218,754, plus strand): 5'-CCCTGGCCCCTGTGTCTTGGGCCCGTGGGGTGTCAAGTCCCTTTTTTCTCAGAGTCTCCT[C>T]CCAGGCTAACCAGGGGTGTAGCCACGGTCTGCCTGAGACAGGCCACGCGGGCTGACCGTT-3'